The following is an entry in ClinVar:

ClinVar aggregate classification (germline): Likely pathogenic (1 of 4 stars; one submission).

Submission:

CeGaT Center for Human Genetics Tuebingen
Classification: Likely pathogenic. Last evaluated: 2026-06-01. Review status: criteria provided, single submitter. Criteria: CeGaT Center For Human Genetics Tuebingen Variant Classification Criteria Version 2. Collection method: clinical testing. Allele origin: germline. Affected: yes. Observed: 1 variant allele.
Comment: PYGM: PM2, PM3, PVS1:Moderate

NM_005609.4(PYGM):c.2380-1G>T

Gene: PYGM (glycogen phosphorylase, muscle associated; minus strand). Cytogenetic location: 11q13.1.
Variant type: single nucleotide variant.
Coding change: c.2380-1G>T on transcript NM_005609.4 (MANE Select); the canonical splice acceptor site of the intron before coding-DNA position 2380, G replaced by T.
Molecular consequence: splice acceptor variant.
Genome position (GRCh38, 1-based): chr11:64,746,809, C>A on the plus strand (G>T on the coding strand, the complement: PYGM is on the minus strand). VCF-style: chr11-64746809-C-A. GRCh37 (hg19) VCF-style: chr11-64514281-C-A.
Other names: c.2116-1G>T (NM_001164716.1).
Identifiers: ClinVar variation 4875462 (VCV004875462.2).
Genomic context (GRCh38, chr11:64,746,809, plus strand): 5'-GGAGAACTTGCCAGAGGTGGCTATGTTCCGGATCACCATCCGCGTCCACTCTCTTGGGTT[C>A]TGCAGGTCAAAGGGAAGCTCTGGTTCACTCTGCTGGCAGGATCTCCACCTTCTGCCTCAT-3'